The following is an entry in ClinVar:

NM_001080467.3(MYO5B):c.4505C>T (p.Ala1502Val)

Genes: MYO5B (myosin VB; minus strand), SNHG22 (small nucleolar RNA host gene 22; plus strand). Cytogenetic location: 18q21.1.
Variant type: single nucleotide variant.
Coding change: c.4505C>T on transcript NM_001080467.3 (MANE Select); coding-DNA position 4505, C replaced by T.
Protein change: p.Ala1502Val; replaces alanine 1502 with valine.
Molecular consequence: missense variant.
Genome position (GRCh38, 1-based): chr18:49,843,347, G>A on the plus strand (C>T on the coding strand, the complement: MYO5B is on the minus strand). VCF-style: chr18-49843347-G-A. GRCh37 (hg19) VCF-style: chr18-47369717-G-A.
Other names: c.4505C>T (NM_001080467.2); short protein forms A1502V.
Identifiers: ClinVar variation 1525762 (VCV001525762.7), dbSNP rs141749368, ClinGen allele CA8960334.

ClinVar aggregate classification (germline): Uncertain significance. Review status: criteria provided, multiple submitters, no conflicts (2 of 4 stars). 3 submissions from 3 submitters: Uncertain significance (3). Last evaluated 2025-07-21.

Conditions:
MYO5B-related disorder. Also called: MYO5B-related condition.

Allele frequency attached by ClinVar (database versions not stated): gnomAD exomes 0.00006 and 0.00008; ExAC 0.00011; 1000 Genomes Project 30x 0.00016; gnomAD 0.00044 and 0.00047; ESP Exome Variant Server 0.00048; TOPMed 0.00055.
gnomAD v4.1: 150 of 1,614,156 alleles (0.0093%); highest among the groups gnomAD compares: African/African-American, 0.18%; 1 homozygote.

Submissions (3):

PreventionGenetics, part of Exact Sciences
Classification: Uncertain significance for MYO5B-related condition. Last evaluated: 2025-07-21. Review status: criteria provided, single submitter. Criteria: ACMG Guidelines, 2015. Collection method: clinical testing. Allele origin: germline.
Comment: The MYO5B c.4505C>T variant is predicted to result in the amino acid substitution p.Ala1502Val. To our knowledge, this variant has not been reported in the literature. This variant is reported in 0.12% of alleles in individuals of African descent in gnomAD. Although we suspect that this variant may be benign, at this time, the clinical significance of this variant is uncertain due to the absence of conclusive functional and genetic evidence.

Labcorp Genetics (formerly Invitae), Labcorp
Classification: Uncertain significance. Last evaluated: 2025-01-13. Review status: criteria provided, single submitter. Criteria: Invitae Variant Classification Sherloc (09022015). Collection method: clinical testing. Allele origin: germline.
Comment: This sequence change replaces alanine, which is neutral and non-polar, with valine, which is neutral and non-polar, at codon 1502 of the MYO5B protein (p.Ala1502Val). This variant is present in population databases (rs141749368, gnomAD 0.1%). This variant has not been reported in the literature in individuals affected with MYO5B-related conditions. ClinVar contains an entry for this variant (Variation ID: 1525762). Invitae Evidence Modeling of protein sequence and biophysical properties (such as structural, functional, and spatial information, amino acid conservation, physicochemical variation, residue mobility, and thermodynamic stability) indicates that this missense variant is expected to disrupt MYO5B protein function with a positive predictive value of 80%. In summary, the available evidence is currently insufficient to determine the role of this variant in disease. Therefore, it has been classified as a Variant of Uncertain Significance.

Breakthrough Genomics
Classification: Uncertain significance. Review status: criteria provided, single submitter. Criteria: ACMG Guidelines, 2015. Collection method: not provided. Allele origin: germline. Inheritance: Autosomal recessive inheritance. Affected: yes.